The following is an entry in ClinVar:

ClinVar aggregate classification (germline): Uncertain significance (1 of 4 stars; one submission).

Allele frequency attached by ClinVar (database versions not stated): ExAC 0.00001; gnomAD 0.00001; gnomAD exomes 0.00002 and 0.00003; TOPMed 0.00003; ESP Exome Variant Server 0.00008.
gnomAD v4.1: 41 of 1,581,206 alleles (0.0026%); highest among the groups gnomAD compares: Non-Finnish European, 0.0034%; no homozygotes.

Submission:

Labcorp Genetics (formerly Invitae), Labcorp
Classification: Uncertain significance. Last evaluated: 2022-06-20. Review status: criteria provided, single submitter. Criteria: Invitae Variant Classification Sherloc (09022015). Collection method: clinical testing. Allele origin: germline.
Comment: This sequence change falls in intron 5 of the PDSS2 gene. It does not directly change the encoded amino acid sequence of the PDSS2 protein. It affects a nucleotide within the consensus splice site. This variant is present in population databases (rs369835141, gnomAD 0.004%). This variant has not been reported in the literature in individuals affected with PDSS2-related conditions. Variants that disrupt the consensus splice site are a relatively common cause of aberrant splicing (PMID: 17576681, 9536098). Algorithms developed to predict the effect of sequence changes on RNA splicing suggest that this variant is not likely to affect RNA splicing. In summary, the available evidence is currently insufficient to determine the role of this variant in disease. Therefore, it has been classified as a Variant of Uncertain Significance.

Literature cited by the submitters: PubMed 17576681; PubMed 9536098.

NM_020381.4(PDSS2):c.877-3T>C

Gene: PDSS2 (decaprenyl diphosphate synthase subunit 2; minus strand). Cytogenetic location: 6q21.
Variant type: single nucleotide variant.
Coding change: c.877-3T>C on transcript NM_020381.4 (MANE Select); 3 bases into the intron before coding-DNA position 877, T replaced by C.
Molecular consequence: intron variant.
Genome position (GRCh38, 1-based): chr6:107,210,573, A>G on the plus strand (T>C on the coding strand, the complement: PDSS2 is on the minus strand). VCF-style: chr6-107210573-A-G. GRCh37 (hg19) VCF-style: chr6-107531777-A-G.
Identifiers: ClinVar variation 1434381 (VCV001434381.3), dbSNP rs369835141, ClinGen allele CA3945985.
Genomic context (GRCh38, chr6:107,210,573, plus strand): 5'-TAAAAGTCATGGAGTCACTGGTCTTTTCTTTAATAAAAGGCTGGACATCAGAATTTATCT[A>G]CAAGAAGCAATTAAATGAGTAAATTAGTGAAATGTATATACACTAGTATGTTTTAGTTAT-3'